The following is an entry in ClinVar:

NM_144643.4(SCLT1):c.427-8T>C

Gene: SCLT1 (sodium channel and clathrin linker 1; minus strand). Cytogenetic location: 4q28.2.
Variant type: single nucleotide variant.
Coding change: c.427-8T>C on transcript NM_144643.4 (MANE Select); 8 bases into the intron before coding-DNA position 427, T replaced by C.
Molecular consequence: intron variant.
Genome position (GRCh38, 1-based): chr4:128,999,802, A>G on the plus strand (T>C on the coding strand, the complement: SCLT1 is on the minus strand). VCF-style: chr4-128999802-A-G. GRCh37 (hg19) VCF-style: chr4-129920957-A-G.
Other names: c.427-8T>C (NM_144643.3).
Identifiers: ClinVar variation 1084064 (VCV001084064.10), dbSNP rs111646131, ClinGen allele CA3079945.

ClinVar aggregate classification (germline): Likely benign. Review status: criteria provided, multiple submitters, no conflicts (2 of 4 stars). 2 submissions from 2 submitters: Likely benign (2). Last evaluated 2025-12-16.

Conditions:
SCLT1-related disorder. Also called: SCLT1-related condition.

Allele frequency attached by ClinVar (database versions not stated): gnomAD exomes 0.00002; ExAC 0.00003; gnomAD 0.00008 and 0.00009; TOPMed 0.00015; 1000 Genomes Project 0.00020.
gnomAD v4.1: 57 of 1,590,116 alleles (0.0036%); highest among the groups gnomAD compares: African/African-American, 0.037%; no homozygotes.

Submissions (2):

Labcorp Genetics (formerly Invitae), Labcorp
Classification: Likely benign. Last evaluated: 2025-12-16. Review status: criteria provided, single submitter. Criteria: Invitae Variant Classification Sherloc (09022015). Collection method: clinical testing. Allele origin: germline.

PreventionGenetics, part of Exact Sciences
Classification: Likely benign for SCLT1-related condition. Last evaluated: 2025-07-16. Review status: criteria provided, single submitter. Criteria: ACMG Guidelines, 2015. Collection method: clinical testing. Allele origin: germline.
Comment: This variant is classified as likely benign based on ACMG/AMP sequence variant interpretation guidelines (Richards et al. 2015 PMID: 25741868, with internal and published modifications).